The following is an entry in ClinVar:

NM_001927.4(DES):c.670G>A (p.Asp224Asn)

Gene: DES (desmin; plus strand). Cytogenetic location: 2q35.
Variant type: single nucleotide variant.
Coding change: c.670G>A on transcript NM_001927.4 (MANE Select); coding-DNA position 670, G replaced by A.
Protein change: p.Asp224Asn; replaces aspartic acid 224 with asparagine.
Molecular consequence: missense variant. On other transcripts: intron variant (1).
Genome position (GRCh38, 1-based): chr2:219,420,281, G>A. VCF-style: chr2-219420281-G-A. GRCh37 (hg19) VCF-style: chr2-220285003-G-A.
Other names: c.667G>A, p.Asp223Asn (NM_001382708.1); c.670G>A, p.Asp224Asn (NM_001382709.1, NM_001382710.1, NM_001382711.1 and 1 more transcripts); c.496-244G>A (NM_001382713.1); short protein forms D224N, D223N.
Identifiers: ClinVar variation 5035197 (VCV005035197.1).

ClinVar aggregate classification (germline): Uncertain significance (1 of 4 stars; one submission).

Conditions:
Cardiovascular phenotype. Identifiers: MedGen CN230736.

Submission:

Ambry Genetics
Classification: Uncertain significance for Cardiovascular phenotype. Last evaluated: 2026-06-25. Review status: criteria provided, single submitter. Criteria: Ambry Variant Classification Scheme 2023. Collection method: clinical testing. Allele origin: germline.
Comment: The p.D224N variant (also known as c.670G>A), located in coding exon 3 of the DES gene, results from a G to A substitution at nucleotide position 670. The aspartic acid at codon 224 is replaced by asparagine, an amino acid with highly similar properties. This amino acid position is conserved. In addition, the in silico prediction for this alteration is inconclusive. Based on the available evidence, the clinical significance of this variant remains unclear.